The following is an entry in ClinVar:

NM_182961.4(SYNE1):c.23259C>T (p.Arg7753=)

Gene: SYNE1 (spectrin repeat containing nuclear envelope protein 1; minus strand). Cytogenetic location: 6q25.2.
Variant type: single nucleotide variant.
Coding change: c.23259C>T on transcript NM_182961.4 (MANE Select); coding-DNA position 23259, C replaced by T.
Protein change: p.Arg7753=; no amino-acid change (arginine 7753 retained).
Molecular consequence: synonymous variant.
Genome position (GRCh38, 1-based): chr6:152,189,294, G>A on the plus strand (C>T on the coding strand, the complement: SYNE1 is on the minus strand). VCF-style: chr6-152189294-G-A. GRCh37 (hg19) VCF-style: chr6-152510429-G-A.
Other names: p.Arg7682=; c.23046C>T, p.Arg7682= (NM_033071.5).
Identifiers: ClinVar variation 282698 (VCV000282698.68), dbSNP rs139590550, ClinGen allele CA4053652.

ClinVar aggregate classification (germline): Conflicting classifications of pathogenicity. Review status: criteria provided, conflicting classifications (1 of 4 stars). 13 submissions from 12 submitters: Uncertain significance (1); Benign (5); Likely benign (4). 3 of the submissions do not count toward it. Last evaluated 2026-07-01.

Conditions:
SYNE1-related disorder. Also called: SYNE1-related disorders; SYNE1-related disease; SYNE1-related condition.
Autosomal recessive ataxia, Beauce type. Also called: ATAXIA, RECESSIVE, OF BEAUCE; SYNE1-Related Autosomal Recessive Cerebellar Ataxia; Spinocerebellar ataxia, autosomal recessive 8; SYNE1 Deficiency. Identifiers: Orphanet 88644, MedGen C1853116, MONDO:0012549, OMIM 610743.
Emery-Dreifuss muscular dystrophy 4, autosomal dominant (EDMD4). Also called: EMERY-DREIFUSS MUSCULAR DYSTROPHY 4 WITH VARIABLE FEATURES. Identifiers: Orphanet 261, MedGen C2751807, MONDO:0013071, OMIM 612998.

Allele frequency attached by ClinVar (database versions not stated): 1000 Genomes Project 0.00120; 1000 Genomes Project 30x 0.00125; gnomAD exomes 0.00128 and 0.00166; gnomAD 0.00140 and 0.00151; ESP Exome Variant Server 0.00161; ExAC 0.00171; TOPMed 0.00181.
gnomAD v4.1: 2,187 of 1,613,836 alleles (0.14%); highest among the groups gnomAD compares: Middle Eastern, 2.4%; 9 homozygotes.

Submissions (13):

CeGaT Center for Human Genetics Tuebingen
Classification: Likely benign. Last evaluated: 2026-07-01. Review status: criteria provided, single submitter. Criteria: CeGaT Center For Human Genetics Tuebingen Variant Classification Criteria Version 2. Collection method: clinical testing. Allele origin: germline. Affected: yes. Observed: 20 variant alleles.
Comment: SYNE1: BP4, BS2

Labcorp Genetics (formerly Invitae), Labcorp
Classification: Likely benign for Emery-Dreifuss muscular dystrophy 4, autosomal dominant; Autosomal recessive ataxia, Beauce type. Last evaluated: 2026-02-02. Review status: criteria provided, single submitter. Criteria: Invitae Variant Classification Sherloc (09022015). Collection method: clinical testing. Allele origin: germline.

Women's Health and Genetics/Laboratory Corporation of America, LabCorp
Classification: Benign. Last evaluated: 2025-11-03. Review status: criteria provided, single submitter. Criteria: LabCorp Variant Classification Summary - May 2015. Collection method: clinical testing. Allele origin: germline.

Mayo Clinic Laboratories, Mayo Clinic
Classification: Benign. Last evaluated: 2025-08-04. Review status: criteria provided, single submitter. Criteria: ACMG Guidelines, 2015. Collection method: clinical testing. Allele origin: germline. Observed: 5 variant alleles.
Comment: BS1, BS2

Blueprint Genetics
Classification: Likely benign. Last evaluated: 2024-11-22. Review status: criteria provided, single submitter. Criteria: ACMG Guidelines, 2015. Collection method: clinical testing. Allele origin: germline.

GeneDx
Classification: Benign. Last evaluated: 2019-03-05. Review status: criteria provided, single submitter. Criteria: GeneDx Variant Classification Process June 2021. Collection method: clinical testing. Allele origin: germline. Affected: yes.

Athena Diagnostics
Classification: Benign. Last evaluated: 2018-02-19. Review status: criteria provided, single submitter. Criteria: Athena Diagnostics Criteria. Collection method: clinical testing. Allele origin: germline.

Illumina Laboratory Services, Illumina
Classification: Uncertain significance for Autosomal recessive ataxia, Beauce type. Last evaluated: 2018-01-13. Review status: criteria provided, single submitter. Criteria: ICSL Variant Classification Criteria 13 December 2019. Collection method: clinical testing. Allele origin: germline.

Illumina Laboratory Services, Illumina
Classification: Benign for Emery-Dreifuss muscular dystrophy 4, autosomal dominant. Last evaluated: 2018-01-13. Review status: criteria provided, single submitter. Criteria: ICSL Variant Classification Criteria 13 December 2019. Collection method: clinical testing. Allele origin: germline.
Comment: This variant was observed in the ICSL laboratory as part of a predisposition screen in an ostensibly healthy population. It had not been previously curated by ICSL or reported in the Human Gene Mutation Database (HGMD: prior to June 1st, 2018), and was therefore a candidate for classification through an automated scoring system. Utilizing variant allele frequency, disease prevalence and penetrance estimates, and inheritance mode, an automated score was calculated to assess if this variant is too frequent to cause the disease. Based on the score and internal cut-off values, a variant classified as benign is not then subjected to further curation. The score for this variant resulted in a classification of benign for this disease.

Eurofins Ntd Llc (ga)
Classification: Likely benign. Last evaluated: 2016-06-23. Review status: criteria provided, single submitter. Criteria: EGL Classification Definitions 2015. Collection method: clinical testing. Allele origin: germline. Observed: 10 variant alleles, 10 heterozygotes.

PreventionGenetics, part of Exact Sciences
Classification: Likely benign for SYNE1-related condition. Last evaluated: 2019-12-10. Review status: no assertion criteria provided. Collection method: clinical testing. Allele origin: germline. Not counted in ClinVar's aggregate classification.
Comment: This variant is classified as likely benign based on ACMG/AMP sequence variant interpretation guidelines (Richards et al. 2015 PMID: 25741868, with internal and published modifications).

Clinical Genetics DNA and cytogenetics Diagnostics Lab, Erasmus MC, Erasmus Medical Center
Classification: Likely benign. Review status: no assertion criteria provided. Collection method: clinical testing. Allele origin: germline. Affected: yes. Study: VKGL Data-share Consensus. Not counted in ClinVar's aggregate classification.

Diagnostic Laboratory, Department of Genetics, University Medical Center Groningen
Classification: Likely benign. Review status: no assertion criteria provided. Collection method: clinical testing. Allele origin: germline. Affected: yes. Study: VKGL Data-share Consensus. Not counted in ClinVar's aggregate classification.